The following is an entry in ClinVar:

NM_004793.4(LONP1):c.1125G>C (p.Leu375=)

Gene: LONP1 (lon peptidase 1, mitochondrial; minus strand). Cytogenetic location: 19p13.3.
Variant type: single nucleotide variant.
Coding change: c.1125G>C on transcript NM_004793.4 (MANE Select); coding-DNA position 1125, G replaced by C.
Protein change: p.Leu375=; no amino-acid change (leucine 375 retained).
Molecular consequence: synonymous variant. On other transcripts: non-coding transcript variant (1).
Genome position (GRCh38, 1-based): chr19:5,707,081, C>G on the plus strand (G>C on the coding strand, the complement: LONP1 is on the minus strand). VCF-style: chr19-5707081-C-G. GRCh37 (hg19) VCF-style: chr19-5707092-C-G.
Other names: c.933G>C, p.Leu311= (NM_001276479.2); c.537G>C, p.Leu179= (NM_001276480.1).
Identifiers: ClinVar variation 784711 (VCV000784711.29), dbSNP rs138264110, ClinGen allele CA9114822.
Genomic context (GRCh38, chr19:5,707,081, plus strand): 5'-AGGCCCCCAAGAGTGGCTGCGCCTCAGCCGCGGGCTCACCTCCCGCCCCAGGCGCTGCTG[C>G]AGCTTGCTCAGTTCAAATTCCTTCTTCAGCAGGGAGAGGGCCTTGTACAGCCGCTTAGGA-3'
Protein context (NP_004784.2, residues 365-385): LLKKEFELSK[Leu375=]QQRLGREVEE

ClinVar aggregate classification (germline): Likely benign. Review status: criteria provided, multiple submitters, no conflicts (2 of 4 stars). 3 submissions from 3 submitters: Likely benign (3). Last evaluated 2025-12-23.

Allele frequency attached by ClinVar (database versions not stated): 1000 Genomes Project 30x 0.00016; 1000 Genomes Project 0.00020; ExAC 0.00069; gnomAD 0.00070 and 0.00072; TOPMed 0.00078; gnomAD exomes 0.00100; ESP Exome Variant Server 0.00154.
gnomAD v4.1: 1,538 of 1,612,498 alleles (0.095%); highest among the groups gnomAD compares: Non-Finnish European, 0.12%; no homozygotes.

Submissions (3):

Labcorp Genetics (formerly Invitae), Labcorp
Classification: Likely benign. Last evaluated: 2025-12-23. Review status: criteria provided, single submitter. Criteria: Invitae Variant Classification Sherloc (09022015). Collection method: clinical testing. Allele origin: germline.

CeGaT Center for Human Genetics Tuebingen
Classification: Likely benign. Last evaluated: 2025-10-01. Review status: criteria provided, single submitter. Criteria: CeGaT Center For Human Genetics Tuebingen Variant Classification Criteria Version 2. Collection method: clinical testing. Allele origin: germline. Affected: yes. Observed: 3 variant alleles.
Comment: LONP1: BP4, BP7

Blueprint Genetics
Classification: Likely benign. Last evaluated: 2024-11-07. Review status: criteria provided, single submitter. Criteria: ACMG Guidelines, 2015. Collection method: clinical testing. Allele origin: germline.